The following is an entry in ClinVar:

NM_014874.4(MFN2):c.971-3T>A

Gene: MFN2 (mitofusin 2; plus strand). Cytogenetic location: 1p36.22.
Variant type: single nucleotide variant.
Coding change: c.971-3T>A on transcript NM_014874.4 (MANE Select); 3 bases into the intron before coding-DNA position 971, T replaced by A.
Molecular consequence: intron variant.
Genome position (GRCh38, 1-based): chr1:12,001,766, T>A. VCF-style: chr1-12001766-T-A. GRCh37 (hg19) VCF-style: chr1-12061823-T-A.
Other names: c.971-3T>A (NM_001127660.2).
Identifiers: ClinVar variation 3644888 (VCV003644888.2).

ClinVar aggregate classification (germline): Uncertain significance (1 of 4 stars; one submission).

Conditions:
Charcot-Marie-Tooth disease type 2. Also called: Charcot-Marie-Tooth type 2. Identifiers: Orphanet 64746, MedGen C0270914, MONDO:0018993.

Submission:

Labcorp Genetics (formerly Invitae), Labcorp
Classification: Uncertain significance for Charcot-Marie-Tooth disease type 2. Last evaluated: 2024-03-07. Review status: criteria provided, single submitter. Criteria: Invitae Variant Classification Sherloc (09022015). Collection method: clinical testing. Allele origin: germline.
Comment: This sequence change falls in intron 9 of the MFN2 gene. It does not directly change the encoded amino acid sequence of the MFN2 protein. It affects a nucleotide within the consensus splice site. This variant is not present in population databases (gnomAD no frequency). This variant has not been reported in the literature in individuals affected with MFN2-related conditions. Variants that disrupt the consensus splice site are a relatively common cause of aberrant splicing (PMID: 17576681, 9536098). Algorithms developed to predict the effect of sequence changes on RNA splicing suggest that this variant may disrupt the consensus splice site. In summary, the available evidence is currently insufficient to determine the role of this variant in disease. Therefore, it has been classified as a Variant of Uncertain Significance.

Literature cited by the submitters: PubMed 17576681; PubMed 9536098.